The following is an entry in ClinVar:

NM_130384.3(ATRIP):c.466C>G (p.Leu156Val)

Genes: ATRIP-TREX1 (ATRIP-TREX1 readthrough; plus strand), ATRIP (ATR interacting protein; plus strand). Cytogenetic location: 3p21.31.
Variant type: single nucleotide variant.
Coding change: c.466C>G on transcript NM_130384.3 (MANE Select); coding-DNA position 466, C replaced by G.
Protein change: p.Leu156Val; replaces leucine 156 with valine.
Molecular consequence: missense variant. On other transcripts: non-coding transcript variant (1).
Genome position (GRCh38, 1-based): chr3:48,451,813, C>G. VCF-style: chr3-48451813-C-G. GRCh37 (hg19) VCF-style: chr3-48493219-C-G.
Other names: c.466C>G (NM_130384.1); c.85C>G, p.Leu29Val (NM_001271022.2); c.187C>G, p.Leu63Val (NM_001271023.2); c.466C>G, p.Leu156Val (NM_032166.4); short protein forms L156V, L29V, L63V.
Identifiers: ClinVar variation 2016670 (VCV002016670.5), dbSNP rs748150512, ClinGen allele CA2375989.

ClinVar aggregate classification (germline): Uncertain significance. Review status: criteria provided, multiple submitters, no conflicts (2 of 4 stars). 2 submissions from 2 submitters: Uncertain significance (2). Last evaluated 2025-02-03.

Allele frequency attached by ClinVar (database versions not stated): gnomAD exomes below 0.00001; ExAC 0.00001.

Submissions (2):

Ambry Genetics
Classification: Uncertain significance. Last evaluated: 2025-02-03. Review status: criteria provided, single submitter. Criteria: Ambry Variant Classification Scheme 2023. Collection method: clinical testing. Allele origin: germline.
Comment: The p.L156V variant (also known as c.466C>G), located in coding exon 3 of the ATRIP gene, results from a C to G substitution at nucleotide position 466. The leucine at codon 156 is replaced by valine, an amino acid with highly similar properties. This amino acid position is conserved. In addition, this alteration is predicted to be tolerated by in silico analysis. Based on the available evidence, the clinical significance of this variant remains unclear.

Labcorp Genetics (formerly Invitae), Labcorp
Classification: Uncertain significance. Last evaluated: 2022-07-13. Review status: criteria provided, single submitter. Criteria: Invitae Variant Classification Sherloc (09022015). Collection method: clinical testing. Allele origin: germline.
Comment: This variant is present in population databases (rs748150512, gnomAD 0.007%). This sequence change replaces leucine, which is neutral and non-polar, with valine, which is neutral and non-polar, at codon 156 of the ATRIP protein (p.Leu156Val). This variant has not been reported in the literature in individuals affected with ATRIP-related conditions. In summary, the available evidence is currently insufficient to determine the role of this variant in disease. Therefore, it has been classified as a Variant of Uncertain Significance. Algorithms developed to predict the effect of missense changes on protein structure and function are either unavailable or do not agree on the potential impact of this missense change (SIFT: "Tolerated"; PolyPhen-2: "Probably Damaging"; Align-GVGD: "Class C0").